The following is an entry in ClinVar:

ClinVar aggregate classification (germline): Uncertain significance (1 of 4 stars; one submission).

Conditions:
Oto-palato-digital syndrome, type II (OPD2). Also called: FACIOPALATOOSSEOUS SYNDROME; OPD II SYNDROME; Otopalatodigital Syndrome, Type II; Otopalatodigital Syndrome Type 2 (FLNA-OPD2). Identifiers: Orphanet 669, Orphanet 90652, MedGen C1844696, MONDO:0010571, OMIM 304120.
Heterotopia, periventricular, X-linked dominant (PVNH1). Also called: PERIVENTRICULAR NODULAR HETEROTOPIA 1; X-linked periventricular heterotopia; PERIVENTRICULAR NODULAR HETEROTOPIA 4; HETEROTOPIA, PERIVENTRICULAR, 1. Identifiers: Orphanet 2149, Orphanet 82004, MedGen C1848213, MONDO:0010233, OMIM 300049.
Frontometaphyseal dysplasia (FMD1). Identifiers: Orphanet 1826, MedGen C0265293, MONDO:0015942.
Melnick-Needles syndrome (MNS). Also called: MELNICK-NEEDLES OSTEODYSPLASTY; OSTEODYSPLASTY OF MELNICK AND NEEDLES; Melnick-Needles Syndrome (FLNA-MNS). Identifiers: Orphanet 2484, MedGen C0025237, MONDO:0010650, OMIM 309350.

Submission:

Labcorp Genetics (formerly Invitae), Labcorp
Classification: Uncertain significance for Oto-palato-digital syndrome, type II; Heterotopia, periventricular, X-linked dominant; Frontometaphyseal dysplasia; Melnick-Needles syndrome. Last evaluated: 2024-01-14. Review status: criteria provided, single submitter. Criteria: Invitae Variant Classification Sherloc (09022015). Collection method: clinical testing. Allele origin: germline.
Comment: This sequence change replaces proline, which is neutral and non-polar, with arginine, which is basic and polar, at codon 1591 of the FLNA protein (p.Pro1591Arg). This variant is not present in population databases (gnomAD no frequency). This variant has not been reported in the literature in individuals affected with FLNA-related conditions. Advanced modeling of protein sequence and biophysical properties (such as structural, functional, and spatial information, amino acid conservation, physicochemical variation, residue mobility, and thermodynamic stability) performed at Invitae indicates that this missense variant is not expected to disrupt FLNA protein function with a negative predictive value of 95%. In summary, the available evidence is currently insufficient to determine the role of this variant in disease. Therefore, it has been classified as a Variant of Uncertain Significance.

NM_001110556.2(FLNA):c.4772C>G (p.Pro1591Arg)

Gene: FLNA (filamin A; minus strand). Cytogenetic location: Xq28.
Variant type: single nucleotide variant.
Coding change: c.4772C>G on transcript NM_001110556.2 (MANE Select); coding-DNA position 4772, C replaced by G.
Protein change: p.Pro1591Arg; replaces proline 1591 with arginine.
Molecular consequence: missense variant.
Genome position (GRCh38, 1-based): chrX:154,357,607, G>C on the plus strand (C>G on the coding strand, the complement: FLNA is on the minus strand). VCF-style: chrX-154357607-G-C. GRCh37 (hg19) VCF-style: chrX-153585975-G-C.
Other names: c.4772C>G, p.Pro1591Arg (NM_001456.4); short protein forms P1591R.
Identifiers: ClinVar variation 2933835 (VCV002933835.3), dbSNP rs372729831, ClinGen allele CA415214371.
Genomic context (GRCh38, chrX:154,357,607, plus strand): 5'-TCTGGCACGTAGGCCACTGTATACGTGCCGTCATGGTTGTCTTGGATGTGTGTCTTCTTC[G>C]GCTTGCCTTCGGGATCCTGTGTGGCAGAGGCAGGGGAGGCAGTTGGCCCAAGCCCGAGTA-3'
Protein context (NP_001104026.1, residues 1581-1601): AVQITDPEGK[Pro1591Arg]KKTHIQDNHD